The following is an entry in ClinVar:

ClinVar aggregate classification (germline): Uncertain significance. Review status: criteria provided, multiple submitters, no conflicts (2 of 4 stars). 2 submissions from 2 submitters: Uncertain significance (2). Last evaluated 2025-04-17.

Conditions:
Cardiovascular phenotype. Identifiers: MedGen CN230736.
Ehlers-Danlos syndrome, classic type, 1 (EDSCL1). Also called: EHLERS-DANLOS SYNDROME, GRAVIS TYPE; EHLERS-DANLOS SYNDROME, SEVERE CLASSIC TYPE; Ehlers-Danlos syndrome, type 1; Ehlers-Danlos Syndrome, Classic Type, COL5A1-Related; EDS I. Identifiers: MedGen C0268335, MONDO:0019567, OMIM 130000.
Osteogenesis imperfecta type I (OI1). Also called: OI, TYPE I; OSTEOGENESIS IMPERFECTA TARDA; OSTEOGENESIS IMPERFECTA WITH BLUE SCLERAE; Osteogenesis imperfecta type 1; Lobstein's Disease; Lobstein disease. Identifiers: Orphanet 216796, Orphanet 666, MedGen C0023931, MONDO:0008146, OMIM 166200. Disease mechanism: loss of function.

Allele frequency attached by ClinVar (database versions not stated): gnomAD 0.00001; ESP Exome Variant Server 0.00008; TOPMed below 0.00001.
gnomAD v4.1: 16 of 1,614,030 alleles (0.00099%); highest among the groups gnomAD compares: South Asian, 0.012%; 1 homozygote.

Submissions (2):

Labcorp Genetics (formerly Invitae), Labcorp
Classification: Uncertain significance for Osteogenesis imperfecta type I; Ehlers-Danlos syndrome, classic type, 1. Last evaluated: 2025-04-17. Review status: criteria provided, single submitter. Criteria: Invitae Variant Classification Sherloc (09022015). Collection method: clinical testing. Allele origin: germline.
Comment: This sequence change replaces alanine, which is neutral and non-polar, with threonine, which is neutral and polar, at codon 279 of the COL1A2 protein (p.Ala279Thr). This variant is present in population databases (rs374616916, gnomAD 0.01%). This variant has not been reported in the literature in individuals affected with COL1A2-related conditions. ClinVar contains an entry for this variant (Variation ID: 1524595). Invitae Evidence Modeling of protein sequence and biophysical properties (such as structural, functional, and spatial information, amino acid conservation, physicochemical variation, residue mobility, and thermodynamic stability) indicates that this missense variant is not expected to disrupt COL1A2 protein function with a negative predictive value of 95%. In summary, the available evidence is currently insufficient to determine the role of this variant in disease. Therefore, it has been classified as a Variant of Uncertain Significance.

Ambry Genetics
Classification: Uncertain significance for Cardiovascular phenotype. Last evaluated: 2024-06-14. Review status: criteria provided, single submitter. Criteria: Ambry Variant Classification Scheme 2023. Collection method: clinical testing. Allele origin: germline.
Comment: The p.A279T variant (also known as c.835G>A), located in coding exon 17 of the COL1A2 gene, results from a G to A substitution at nucleotide position 835. The alanine at codon 279 is replaced by threonine, an amino acid with similar properties. This amino acid position is not well conserved in available vertebrate species. In addition, the in silico prediction for this alteration is inconclusive. Based on the available evidence, the clinical significance of this variant remains unclear.

NM_000089.4(COL1A2):c.835G>A (p.Ala279Thr)

Gene: COL1A2 (collagen type I alpha 2 chain; plus strand). Cytogenetic location: 7q21.3.
Variant type: single nucleotide variant.
Coding change: c.835G>A on transcript NM_000089.4 (MANE Select); coding-DNA position 835, G replaced by A.
Protein change: p.Ala279Thr; replaces alanine 279 with threonine.
Molecular consequence: missense variant.
Genome position (GRCh38, 1-based): chr7:94,409,364, G>A. VCF-style: chr7-94409364-G-A. GRCh37 (hg19) VCF-style: chr7-94038676-G-A.
Other names: c.835G>A (NM_000089.3); short protein forms A279T.
Identifiers: ClinVar variation 1524595 (VCV001524595.7), dbSNP rs374616916, ClinGen allele CA4346843.